The following is an entry in ClinVar:

NM_025114.4(CEP290):c.6421G>A (p.Val2141Ile)

Gene: CEP290 (centrosomal protein 290; minus strand). Cytogenetic location: 12q21.32.
Variant type: single nucleotide variant.
Coding change: c.6421G>A on transcript NM_025114.4 (MANE Select); coding-DNA position 6421, G replaced by A.
Protein change: p.Val2141Ile; replaces valine 2141 with isoleucine.
Molecular consequence: missense variant.
Genome position (GRCh38, 1-based): chr12:88,060,931, C>T on the plus strand (G>A on the coding strand, the complement: CEP290 is on the minus strand). VCF-style: chr12-88060931-C-T. GRCh37 (hg19) VCF-style: chr12-88454708-C-T.
Other names: short protein forms V2141I.
Identifiers: ClinVar variation 1375638 (VCV001375638.6), dbSNP rs2136751097, ClinGen allele CA385978730.
Genomic context (GRCh38, chr12:88,060,931, plus strand): 5'-CACTAGTCAATATTCCTGATGCTTTTTTCAACTGTTCATTTTCTCTCTGGACTTTTTCAA[C>T]TACTTTTTTCATTAAACCAATGGTTTTTTCCAGTTCTGGGATTGTCTTTCCACTTCTACC-3'
Protein context (NP_079390.3, residues 2131-2151): EKTIGLMKKV[Val2141Ile]EKVQRENEQL

ClinVar aggregate classification (germline): Uncertain significance (1 of 4 stars; one submission).

Conditions:
Joubert syndrome. Also called: CEREBELLOPARENCHYMAL DISORDER IV; JOUBERT-BOLTSHAUSER SYNDROME; Familial aplasia of the vermis. Identifiers: Orphanet 475, MedGen C5979921, MONDO:0018772.
Nephronophthisis. Also called: Juvenile Nephronophthisis. Identifiers: Orphanet 655, MedGen C0687120, MONDO:0019005, HP:0000090.
Meckel-Gruber syndrome. Also called: DYSENCEPHALIA SPLANCHNOCYSTICA; GRUBER SYNDROME; Dysencephalia splachnocystica. Identifiers: Orphanet 564, MedGen C0265215, MONDO:0018921.

Submission:

Labcorp Genetics (formerly Invitae), Labcorp
Classification: Uncertain significance for Joubert syndrome; Meckel-Gruber syndrome; Nephronophthisis. Last evaluated: 2023-08-04. Review status: criteria provided, single submitter. Criteria: Invitae Variant Classification Sherloc (09022015). Collection method: clinical testing. Allele origin: germline.
Comment: In summary, the available evidence is currently insufficient to determine the role of this variant in disease. Therefore, it has been classified as a Variant of Uncertain Significance. Advanced modeling of protein sequence and biophysical properties (such as structural, functional, and spatial information, amino acid conservation, physicochemical variation, residue mobility, and thermodynamic stability) performed at Invitae indicates that this missense variant is expected to disrupt CEP290 protein function. ClinVar contains an entry for this variant (Variation ID: 1375638). This variant has not been reported in the literature in individuals affected with CEP290-related conditions. This variant is not present in population databases (gnomAD no frequency). This sequence change replaces valine, which is neutral and non-polar, with isoleucine, which is neutral and non-polar, at codon 2141 of the CEP290 protein (p.Val2141Ile).